The following is an entry in ClinVar:

ClinVar aggregate classification (germline): Uncertain significance (1 of 4 stars; one submission).

Conditions:
TCF20-related disorder. Also called: TCF20-related condition.

gnomAD v4.1: 2 of 1,614,156 alleles (0.00012%); highest among the groups gnomAD compares: Non-Finnish European, 0.000085%; no homozygotes.

Submission:

PreventionGenetics, part of Exact Sciences
Classification: Uncertain significance for TCF20-related condition. Last evaluated: 2023-08-21. Review status: criteria provided, single submitter. Criteria: ACMG Guidelines, 2015. Collection method: clinical testing. Allele origin: germline.
Comment: The TCF20 c.5134G>A variant is predicted to result in the amino acid substitution p.Ala1712Thr. To our knowledge, this variant has not been reported in the literature or in a large population database, indicating this variant is rare. At this time, the clinical significance of this variant is uncertain due to the absence of conclusive functional and genetic evidence.

NM_001378418.1(TCF20):c.5134G>A (p.Ala1712Thr)

Gene: TCF20 (transcription factor 20; minus strand). Cytogenetic location: 22q13.2.
Variant type: single nucleotide variant.
Coding change: c.5134G>A on transcript NM_001378418.1 (MANE Select); coding-DNA position 5134, G replaced by A.
Protein change: p.Ala1712Thr; replaces alanine 1712 with threonine.
Molecular consequence: missense variant.
Genome position (GRCh38, 1-based): chr22:42,210,172, C>T on the plus strand (G>A on the coding strand, the complement: TCF20 is on the minus strand). VCF-style: chr22-42210172-C-T. GRCh37 (hg19) VCF-style: chr22-42606178-C-T.
Other names: c.5134G>A, p.Ala1712Thr (NM_005650.4, NM_181492.3); short protein forms A1712T.
Identifiers: ClinVar variation 2630067 (VCV002630067.1), dbSNP rs2518201237, ClinGen allele CA411782443.
Genomic context (GRCh38, chr22:42,210,172, plus strand): 5'-TGGCTGCATAATCTTGGGGATAAAAAGGTCCAAAGAGGTCACCCATGTTCCGGTAACTGG[C>T]CCACTTGCCACACAGACAGCAAACCAGGTGCCCCATAACCGAAGACTCTGTCACAACAGG-3'
Protein context (NP_001365347.1, residues 1702-1722): HLVCCLCGKW[Ala1712Thr]SYRNMGDLFG